The following is an entry in ClinVar:

NM_004360.5(CDH1):c.449G>T (p.Arg150Ile)

Gene: CDH1 (cadherin 1; plus strand). Cytogenetic location: 16q22.1.
Variant type: single nucleotide variant.
Coding change: c.449G>T on transcript NM_004360.5 (MANE Select); coding-DNA position 449, G replaced by T.
Protein change: p.Arg150Ile; replaces arginine 150 with isoleucine.
Molecular consequence: missense variant. On other transcripts: 5 prime UTR variant (2).
Genome position (GRCh38, 1-based): chr16:68,808,485, G>T. VCF-style: chr16-68808485-G-T. GRCh37 (hg19) VCF-style: chr16-68842388-G-T.
Other names: c.449G>T, p.Arg150Ile (NM_001317184.2); c.-1167G>T (NM_001317185.2); c.-1371G>T (NM_001317186.2); short protein forms R150I.
Identifiers: ClinVar variation 824945 (VCV000824945.4), dbSNP rs1597890578, ClinGen allele CA396457638.

ClinVar aggregate classification (germline): Uncertain significance (1 of 4 stars; one submission).

Conditions:
Hereditary cancer-predisposing syndrome. Also called: Neoplastic Syndromes, Hereditary; Tumor predisposition; Hereditary neoplastic syndrome; Hereditary Cancer Syndrome. Identifiers: Orphanet 140162, MedGen C0027672, MeSH D009386, MONDO:0015356.

Submission:

Ambry Genetics
Classification: Uncertain significance for Hereditary cancer-predisposing syndrome. Last evaluated: 2019-02-26. Review status: criteria provided, single submitter. Criteria: Ambry Variant Classification Scheme 2023. Collection method: clinical testing. Allele origin: germline.
Comment: The p.R150I variant (also known as c.449G>T), located in coding exon 4 of the CDH1 gene, results from a G to T substitution at nucleotide position 449. The arginine at codon 150 is replaced by isoleucine, an amino acid with similar properties. This amino acid position is well conserved in available vertebrate species. In addition, this alteration is predicted to be tolerated by in silico analysis. Since supporting evidence is limited at this time, the clinical significance of this alteration remains unclear.